The following is an entry in ClinVar:

NM_020117.11(LARS1):c.594+9A>G

Gene: LARS1 (leucyl-tRNA synthetase 1; minus strand). Cytogenetic location: 5q32.
Variant type: single nucleotide variant.
Coding change: c.594+9A>G on transcript NM_020117.11 (MANE Select); 9 bases into the intron after coding-DNA position 594, A replaced by G.
Molecular consequence: intron variant.
Genome position (GRCh38, 1-based): chr5:146,164,301, T>C on the plus strand (A>G on the coding strand, the complement: LARS1 is on the minus strand). VCF-style: chr5-146164301-T-C. GRCh37 (hg19) VCF-style: chr5-145543864-T-C.
Other names: c.432+9A>G (NM_001317965.2); c.513+9A>G (NM_016460.4); c.456+9A>G (NM_001317964.2).
Identifiers: ClinVar variation 3050375 (VCV003050375.3), dbSNP rs145909725, ClinGen allele CA3489903.
Genomic context (GRCh38, chr5:146,164,301, plus strand): 5'-ATAAAGCAAAGCACAATAAAAAAGCACATACTTGTAAATGCTTTCCTCATATTTCCTTTA[T>C]AGACATACCTTCAAACCCATTCTTTTTAAATCCTGAATAGCCAGTGGCGGGAAATAATCA-3'

ClinVar aggregate classification (germline): Likely benign. Review status: criteria provided, single submitter (1 of 4 stars). 2 submissions from 2 submitters: Likely benign (1). 1 of the submissions does not count toward it. Last evaluated 2025-12-26.

Conditions:
LARS1-related disorder. Also called: LARS1-related condition.

gnomAD v4.1: 6 of 1,611,764 alleles (0.00037%); highest among the groups gnomAD compares: Admixed American, 0.0067%; no homozygotes.

Submissions (2):

Women's Health and Genetics/Laboratory Corporation of America, LabCorp
Classification: Likely benign. Last evaluated: 2025-12-26. Review status: criteria provided, single submitter. Criteria: LabCorp Variant Classification Summary - May 2015. Collection method: clinical testing. Allele origin: germline.
Comment: Variant summary: LARS1 c.594+9A>G alters a nucleotide located at a position not widely known to affect splicing. Consensus agreement among computation tools predict no significant impact on normal splicing. However, these predictions have yet to be confirmed by functional studies. The variant allele was found at a frequency of 1.2e-05 in 250734 control chromosomes. The available data on variant occurrences in the general population are insufficient to allow any conclusion about variant significance. To our knowledge, no occurrence of c.594+9A>G in individuals affected with LARS1-related conditions and no experimental evidence demonstrating its impact on protein function have been reported. ClinVar contains an entry for this variant (Variation ID: 3050375). Based on the evidence outlined above, the variant was classified as likely benign.

PreventionGenetics, part of Exact Sciences
Classification: Likely benign for LARS1-related condition. Last evaluated: 2019-07-16. Review status: no assertion criteria provided. Collection method: clinical testing. Allele origin: germline. Not counted in ClinVar's aggregate classification.
Comment: This variant is classified as likely benign based on ACMG/AMP sequence variant interpretation guidelines (Richards et al. 2015 PMID: 25741868, with internal and published modifications).